The following is an entry in ClinVar:

NM_001164508.2(NEB):c.2170_2171del (p.Gln724fs)

Gene: NEB (nebulin; minus strand). Cytogenetic location: 2q23.3.
Variant type: Microsatellite.
Coding change: c.2170_2171del on transcript NM_001164508.2 (MANE Select); coding-DNA positions 2170 to 2171, 2 bases deleted (CA; older notation c.2170_2171delCA).
Protein change: p.Gln724fs; shifts the reading frame from glutamine 724.
Molecular consequence: frameshift variant.
Genome position (GRCh38, 1-based): chr2:151,691,904-151,691,905, TG deleted on the plus strand (CA on the coding strand, the reverse complement: NEB is on the minus strand); deleting any 2 consecutive bases within chr2:151,691,904-151,691,908 gives the same sequence; the c. name uses the placement nearest the transcript's 3' end. VCF-style (leftmost placement, unchanged base first): chr2-151691903-TTG-T. GRCh37 (hg19) VCF-style: chr2-152548417-TTG-T.
Other names: c.2170_2171del, p.Gln724fs (NM_001164507.2, NM_001271208.2, NM_004543.5); short protein forms Q724fs.
Identifiers: ClinVar variation 5012724 (VCV005012724.1).

ClinVar aggregate classification (germline): Pathogenic (1 of 4 stars; one submission).

Conditions:
Nemaline myopathy 2 (NEM2). Also called: Nemaline myopathy 2, autosomal recessive. Identifiers: MedGen C1850569, MONDO:0009725, OMIM 256030.

Submission:

Myriad Genetics, Inc.
Classification: Pathogenic for Nemaline myopathy 2. Last evaluated: 2024-02-09. Review status: criteria provided, single submitter. Criteria: Myriad Autosomal Dominant, Autosomal Recessive and X-Linked Classification Criteria (2023). Collection method: clinical testing. Allele origin: unknown.
Comment: NM_001271208.1(NEB):c.2170_2171delCA(Q724Rfs*3) is expected to be pathogenic in the context of NEB-related nemaline myopathy. This variant is predicted to lead to an abnormal or absent protein product due to the creation of a premature termination codon in NEB, a gene where loss-of-function variants are known to be pathogenic. Please note: this variant was assessed in the context of healthy population screening.